The following is an entry in ClinVar:

ClinVar aggregate classification (germline): Pathogenic (1 of 4 stars; one submission).

Conditions:
Hypohidrotic X-linked ectodermal dysplasia (XHED). Also called: ECTODERMAL DYSPLASIA, HYPOHIDROTIC, 1; CST SYNDROME; Anhidrotic ectodermal dysplasia X-linked; Christ Siemens Touraine syndrome; ECTODERMAL DYSPLASIA 1, HYPOHIDROTIC, X-LINKED; ECTODERMAL DYSPLASIA 1, HYPOHIDROTIC/HAIR/TOOTH TYPE, X-LINKED. Identifiers: Orphanet 181, Orphanet 238468, MedGen C0162359, MONDO:0010585, OMIM 305100.

Submission:

Labcorp Genetics (formerly Invitae), Labcorp
Classification: Pathogenic for Hypohidrotic X-linked ectodermal dysplasia. Last evaluated: 2025-12-29. Review status: criteria provided, single submitter. Criteria: Invitae Variant Classification Sherloc (09022015). Collection method: clinical testing. Allele origin: germline.
Comment: This sequence change creates a premature translational stop signal (p.Gly230Alafs*50) in the EDA gene. It is expected to result in an absent or disrupted protein product. Loss-of-function variants in EDA are known to be pathogenic (PMID: 9683615). This variant is not present in population databases (gnomAD no frequency). This premature translational stop signal has been observed in individual(s) with ectodermal dysplasia (PMID: 31129666). For these reasons, this variant has been classified as Pathogenic.

Literature cited by the submitters: PubMed 9683615; PubMed 31129666.

NM_001399.5(EDA):c.687del (p.Gly230fs)

Gene: EDA (ectodysplasin A; plus strand). Cytogenetic location: Xq13.1.
Variant type: Deletion.
Coding change: c.687del on transcript NM_001399.5 (MANE Select); coding-DNA position 687, one base deleted (T; older notation c.687delT).
Protein change: p.Gly230fs; shifts the reading frame from glycine 230.
Molecular consequence: frameshift variant.
Genome position (GRCh38, 1-based): chrX:70,028,017, T deleted. VCF-style (leftmost placement, unchanged base first): chrX-70028016-CT-C. GRCh37 (hg19) VCF-style: chrX-69247866-CT-C.
Other names: c.687del, p.Gly230fs (NM_001005609.2, NM_001005612.3, NM_001440761.1 and 1 more transcripts); short protein forms G230fs.
Identifiers: ClinVar variation 4750195 (VCV004750195.1).